The following is an entry in ClinVar:

NM_138694.4(PKHD1):c.2165C>T (p.Ala722Val)

Gene: PKHD1 (PKHD1 ciliary IPT domain containing fibrocystin/polyductin; minus strand). Cytogenetic location: 6p12.2.
Variant type: single nucleotide variant.
Coding change: c.2165C>T on transcript NM_138694.4 (MANE Select); coding-DNA position 2165, C replaced by T.
Protein change: p.Ala722Val; replaces alanine 722 with valine.
Molecular consequence: missense variant.
Genome position (GRCh38, 1-based): chr6:52,050,271, G>A on the plus strand (C>T on the coding strand, the complement: PKHD1 is on the minus strand). VCF-style: chr6-52050271-G-A. GRCh37 (hg19) VCF-style: chr6-51915069-G-A.
Other names: c.2165C>T, p.Ala722Val (NM_170724.3); short protein forms A722V.
Identifiers: ClinVar variation 2998550 (VCV002998550.3), dbSNP rs1806603105, ClinGen allele CA364443902.

ClinVar aggregate classification (germline): Uncertain significance (1 of 4 stars; one submission).

Conditions:
Autosomal recessive polycystic kidney disease (ARPKD). Also called: AR polycystic kidney disease. Identifiers: Orphanet 731, Orphanet 8378, MedGen C0085548, MeSH D017044, MONDO:0009889.

Allele frequency attached by ClinVar (database versions not stated): gnomAD 0.00001; gnomAD exomes 0.00001.
gnomAD v4.1: 4 of 1,614,040 alleles (0.00025%); highest among the groups gnomAD compares: Admixed American, 0.0017%; no homozygotes.

Submission:

Labcorp Genetics (formerly Invitae), Labcorp
Classification: Uncertain significance for Autosomal recessive polycystic kidney disease. Last evaluated: 2023-05-09. Review status: criteria provided, single submitter. Criteria: Invitae Variant Classification Sherloc (09022015). Collection method: clinical testing. Allele origin: germline.
Comment: In summary, the available evidence is currently insufficient to determine the role of this variant in disease. Therefore, it has been classified as a Variant of Uncertain Significance. Advanced modeling of protein sequence and biophysical properties (such as structural, functional, and spatial information, amino acid conservation, physicochemical variation, residue mobility, and thermodynamic stability) has been performed at Invitae for this missense variant, however the output from this modeling did not meet the statistical confidence thresholds required to predict the impact of this variant on PKHD1 protein function. This variant has not been reported in the literature in individuals affected with PKHD1-related conditions. This variant is not present in population databases (gnomAD no frequency). This sequence change replaces alanine, which is neutral and non-polar, with valine, which is neutral and non-polar, at codon 722 of the PKHD1 protein (p.Ala722Val).